The following is an entry in ClinVar:

NM_152564.5(VPS13B):c.1770G>A (p.Ala590=)

Gene: VPS13B (vacuolar protein sorting 13 homolog B; plus strand). Cytogenetic location: 8q22.2.
Variant type: single nucleotide variant.
Coding change: c.1770G>A on transcript NM_152564.5 (MANE Select); coding-DNA position 1770, G replaced by A.
Protein change: p.Ala590=; no amino-acid change (alanine 590 retained).
Molecular consequence: synonymous variant.
Genome position (GRCh38, 1-based): chr8:99,143,092, G>A. VCF-style: chr8-99143092-G-A. GRCh37 (hg19) VCF-style: chr8-100155320-G-A.
Other names: c.1770G>A (NM_152564.4); c.1770G>A, p.Ala590= (NM_015243.3, NM_017890.5).
Identifiers: ClinVar variation 194257 (VCV000194257.22), dbSNP rs760564848, ClinGen allele CA240131.

ClinVar aggregate classification (germline): Conflicting classifications of pathogenicity. Review status: criteria provided, conflicting classifications (1 of 4 stars). 7 submissions from 7 submitters: Uncertain significance (1); Likely benign (4). 2 of the submissions do not count toward it. Last evaluated 2026-09-01.

Conditions:
VPS13B-related disorder. Also called: VPS13B-related condition.
Inborn genetic diseases. Identifiers: MedGen C0950123, MeSH D030342.
Cohen syndrome (COH1). Also called: PEPPER SYNDROME; Cutis verticis gyrata, retinitis pigmentosa, and sensorineural deafness. Identifiers: Orphanet 193, MedGen C0265223, MONDO:0008999, OMIM 216550.

Allele frequency attached by ClinVar (database versions not stated): gnomAD 0.00003; TOPMed 0.00004; gnomAD exomes 0.00006 and 0.00012; ExAC 0.00013.
gnomAD v4.1: 94 of 1,613,822 alleles (0.0058%); highest among the groups gnomAD compares: East Asian, 0.029%; no homozygotes.

Submissions (7):

CeGaT Center for Human Genetics Tuebingen
Classification: Likely benign. Last evaluated: 2026-09-01. Review status: criteria provided, single submitter. Criteria: CeGaT Center For Human Genetics Tuebingen Variant Classification Criteria Version 2. Collection method: clinical testing. Allele origin: germline. Affected: yes. Observed: 1 variant allele.
Comment: VPS13B: BP4, BP7

Labcorp Genetics (formerly Invitae), Labcorp
Classification: Likely benign for Cohen syndrome. Last evaluated: 2026-01-14. Review status: criteria provided, single submitter. Criteria: Invitae Variant Classification Sherloc (09022015). Collection method: clinical testing. Allele origin: germline.

Blueprint Genetics
Classification: Likely benign. Last evaluated: 2024-11-14. Review status: criteria provided, single submitter. Criteria: ACMG Guidelines, 2015. Collection method: clinical testing. Allele origin: germline.

Ambry Genetics
Classification: Likely benign for Inborn genetic diseases. Last evaluated: 2018-03-12. Review status: criteria provided, single submitter. Criteria: Ambry Variant Classification Scheme 2023. Collection method: clinical testing. Allele origin: germline.

Eurofins Ntd Llc (ga)
Classification: Uncertain significance. Last evaluated: 2015-04-28. Review status: criteria provided, single submitter. Criteria: EGL Classification Definitions 2015. Collection method: clinical testing. Allele origin: germline. Observed: 1 variant allele, 1 heterozygote.

PreventionGenetics, part of Exact Sciences
Classification: Likely benign for VPS13B-related condition. Last evaluated: 2022-08-02. Review status: no assertion criteria provided. Collection method: clinical testing. Allele origin: germline. Not counted in ClinVar's aggregate classification.
Comment: This variant is classified as likely benign based on ACMG/AMP sequence variant interpretation guidelines (Richards et al. 2015 PMID: 25741868, with internal and published modifications).

Natera, Inc.
Classification: Likely benign for Cohen syndrome. Last evaluated: 2020-06-05. Review status: no assertion criteria provided. Collection method: clinical testing. Allele origin: germline. Not counted in ClinVar's aggregate classification.